The following is an entry in ClinVar:

ClinVar aggregate classification (germline): Pathogenic (1 of 4 stars; one submission).

Conditions:
VPS13A-related neurodegenerative disease. Also called: ACANTHOCYTOSIS WITH NEUROLOGIC DISORDER; LEVINE-CRITCHLEY SYNDROME; Choreoacanthocytosis; Chorea-acanthocytosis; Choreaacanthocytosis; VPS13A Disease. Identifiers: Orphanet 2388, MedGen C0393576, MONDO:0008695, OMIM 200150.

Submission:

Myriad Genetics, Inc.
Classification: Pathogenic for VPS13A-related neurodegenerative disease. Last evaluated: 2024-05-14. Review status: criteria provided, single submitter. Criteria: Myriad Autosomal Dominant, Autosomal Recessive and X-Linked Classification Criteria (2023). Collection method: clinical testing. Allele origin: unknown.
Comment: NM_033305.2(VPS13A):c.103_104ins13(A35Dfs*14) is expected to be pathogenic in the context of VPS13A disease. This variant is predicted to lead to an abnormal or absent protein product due to the creation of a premature termination codon in VPS13A, a gene where loss-of-function variants are known to be pathogenic. Please note: this variant was assessed in the context of healthy population screening.

NM_033305.3(VPS13A):c.103_104insACTGTCTCTTATA (p.Ala35fs)

Gene: VPS13A (vacuolar protein sorting 13 homolog A; plus strand). Cytogenetic location: 9q21.2.
Variant type: Insertion.
Coding change: c.103_104insACTGTCTCTTATA on transcript NM_033305.3 (MANE Select); coding-DNA positions 103 to 104, ACTGTCTCTTATA inserted.
Protein change: p.Ala35fs; shifts the reading frame from alanine 35.
Molecular consequence: frameshift variant.
Genome position: GRCh38 VCF-style: chr9-77199947-G-GACTGTCTCTTATA. GRCh37 (hg19) VCF-style: chr9-79814863-G-GACTGTCTCTTATA.
Other names: c.103_104insACTGTCTCTTATA, p.Ala35fs (NM_001018037.2, NM_001018038.3, NM_015186.4); short protein forms A35fs.
Identifiers: ClinVar variation 5010973 (VCV005010973.1).
Genomic context (GRCh38, chr9:77,199,947, plus strand): 5'-TAACTTTTTAAAATGAAAAATATTTGATTGTTTGAATCTTTTTTTTAATCTTTTTTAGGA[G>GACTGTCTCTTATA]CTGTGGCCCTCAAGAATCTTCAAATTAAAGAAAATGCCCTGGTAGGTTTTGACTATGAAA-3'